The following is an entry in ClinVar:

ClinVar aggregate classification (germline): Uncertain significance (1 of 4 stars; one submission).

Conditions:
Ornithine carbamoyltransferase deficiency (OTCD). Also called: ORNITHINE TRANSCARBAMYLASE DEFICIENCY; ORNITHINE TRANSCARBAMYLASE DEFICIENCY, HYPERAMMONEMIA DUE TO; OTC DEFICIENCY; Ornithine Carbamoyltransferase Deficiency Disease. Identifiers: Orphanet 664, MedGen C0268542, MONDO:0010703, OMIM 311250.

Allele frequency attached by ClinVar (database versions not stated): gnomAD exomes below 0.00001.
gnomAD v4.1: 4 of 1,208,675 alleles (0.00033%); highest among the groups gnomAD compares: Non-Finnish European, 0.00022%; no homozygotes.

Submission:

Labcorp Genetics (formerly Invitae), Labcorp
Classification: Uncertain significance for Ornithine carbamoyltransferase deficiency. Last evaluated: 2022-08-22. Review status: criteria provided, single submitter. Criteria: Invitae Variant Classification Sherloc (09022015). Collection method: clinical testing. Allele origin: germline.
Comment: Advanced modeling of protein sequence and biophysical properties (such as structural, functional, and spatial information, amino acid conservation, physicochemical variation, residue mobility, and thermodynamic stability) performed at Invitae indicates that this missense variant is not expected to disrupt OTC protein function. This variant has not been reported in the literature in individuals affected with OTC-related conditions. This variant is not present in population databases (gnomAD no frequency). This sequence change replaces asparagine, which is neutral and polar, with serine, which is neutral and polar, at codon 11 of the OTC protein (p.Asn11Ser). Algorithms developed to predict the effect of sequence changes on RNA splicing suggest that this variant may create or strengthen a splice site. In summary, the available evidence is currently insufficient to determine the role of this variant in disease. Therefore, it has been classified as a Variant of Uncertain Significance.

NM_000531.6(OTC):c.32A>G (p.Asn11Ser)

Gene: OTC (ornithine transcarbamylase; plus strand). Cytogenetic location: Xp11.4.
Variant type: single nucleotide variant.
Coding change: c.32A>G on transcript NM_000531.6 (MANE Select); coding-DNA position 32, A replaced by G.
Protein change: p.Asn11Ser; replaces asparagine 11 with serine.
Molecular consequence: missense variant.
Genome position (GRCh38, 1-based): chrX:38,352,728, A>G. VCF-style: chrX-38352728-A-G. GRCh37 (hg19) VCF-style: chrX-38211981-A-G.
Other names: c.32A>G, p.Asn11Ser (NM_001407092.1); short protein forms N11S.
Identifiers: ClinVar variation 2162857 (VCV002162857.4), dbSNP rs2519941902, ClinGen allele CA412713053.